The following is an entry in ClinVar:

NM_000268.4(NF2):c.691G>C (p.Glu231Gln)

Gene: NF2 (NF2, moesin-ezrin-radixin like (MERLIN) tumor suppressor; plus strand). Cytogenetic location: 22q12.2.
Variant type: single nucleotide variant.
Coding change: c.691G>C on transcript NM_000268.4 (MANE Select); coding-DNA position 691, G replaced by C.
Protein change: p.Glu231Gln; replaces glutamic acid 231 with glutamine.
Molecular consequence: missense variant. On other transcripts: non-coding transcript variant (1), intron variant (1).
Genome position (GRCh38, 1-based): chr22:29,661,220, G>C. VCF-style: chr22-29661220-G-C. GRCh37 (hg19) VCF-style: chr22-30057209-G-C.
Other names: c.691G>C, p.Glu231Gln (NM_016418.5, NM_181825.3, NM_181832.3); c.565G>C, p.Glu189Gln (NM_181828.3); c.568G>C, p.Glu190Gln (NM_181829.3); c.442G>C, p.Glu148Gln (NM_181830.3, NM_181831.3); c.447+18935G>C (NM_181833.3); short protein forms E190Q, E189Q, E148Q, E231Q.
Identifiers: ClinVar variation 826706 (VCV000826706.10), dbSNP rs770019352, ClinGen allele CA034802.

ClinVar aggregate classification (germline): Uncertain significance. Review status: criteria provided, multiple submitters, no conflicts (2 of 4 stars). 3 submissions from 3 submitters: Uncertain significance (3). Last evaluated 2024-11-27.

Conditions:
Hereditary cancer-predisposing syndrome. Also called: Neoplastic Syndromes, Hereditary; Tumor predisposition; Hereditary Cancer Syndrome; Hereditary neoplastic syndrome. Identifiers: Orphanet 140162, MedGen C0027672, MeSH D009386, MONDO:0015356.
Neurofibromatosis, type 2 (SWNV). Also called: BILATERAL ACOUSTIC NEUROFIBROMATOSIS; NF2-Related Schwannomatosis; SCHWANNOMATOSIS, VESTIBULAR. Identifiers: Orphanet 637, MedGen C0027832, MONDO:0007039, OMIM 101000. Disease mechanism: loss of function.

Allele frequency attached by ClinVar (database versions not stated): gnomAD exomes below 0.00001; TOPMed below 0.00001; ExAC 0.00001.
gnomAD v4.1: 2 of 1,614,248 alleles (0.00012%); highest among the groups gnomAD compares: Non-Finnish European, 0.00017%; no homozygotes.

Submissions (3):

Labcorp Genetics (formerly Invitae), Labcorp
Classification: Uncertain significance for Neurofibromatosis, type 2. Last evaluated: 2024-11-27. Review status: criteria provided, single submitter. Criteria: Invitae Variant Classification Sherloc (09022015). Collection method: clinical testing. Allele origin: germline.
Comment: This sequence change replaces glutamic acid, which is acidic and polar, with glutamine, which is neutral and polar, at codon 231 of the NF2 protein (p.Glu231Gln). This variant is present in population databases (rs770019352, gnomAD 0.0009%). This variant has not been reported in the literature in individuals affected with NF2-related conditions. ClinVar contains an entry for this variant (Variation ID: 826706). Invitae Evidence Modeling of protein sequence and biophysical properties (such as structural, functional, and spatial information, amino acid conservation, physicochemical variation, residue mobility, and thermodynamic stability) indicates that this missense variant is not expected to disrupt NF2 protein function with a negative predictive value of 80%. In summary, the available evidence is currently insufficient to determine the role of this variant in disease. Therefore, it has been classified as a Variant of Uncertain Significance.

Blueprint Genetics
Classification: Uncertain significance. Last evaluated: 2024-10-08. Review status: criteria provided, single submitter. Criteria: ACMG Guidelines, 2015. Collection method: clinical testing. Allele origin: germline.

Ambry Genetics
Classification: Uncertain significance for Hereditary cancer-predisposing syndrome. Last evaluated: 2024-02-28. Review status: criteria provided, single submitter. Criteria: Ambry Variant Classification Scheme 2023. Collection method: clinical testing. Allele origin: germline.
Comment: The p.E231Q variant (also known as c.691G>C), located in coding exon 8 of the NF2 gene, results from a G to C substitution at nucleotide position 691. The glutamic acid at codon 231 is replaced by glutamine, an amino acid with highly similar properties. This amino acid position is not well conserved in available vertebrate species. In addition, the in silico prediction for this alteration is inconclusive. Since supporting evidence is limited at this time, the clinical significance of this alteration remains unclear.